The following is an entry in ClinVar:

ClinVar aggregate classification (germline): Pathogenic. Review status: criteria provided, single submitter (1 of 4 stars). 2 submissions from 2 submitters: Pathogenic (1). 1 of the submissions does not count toward it. Last evaluated 2025-06-13.

Conditions:
PRPF8-related disorder. Also called: PRPF8-related condition.

Submissions (2):

GeneDx
Classification: Pathogenic. Last evaluated: 2025-06-13. Review status: criteria provided, single submitter. Criteria: GeneDx Variant Classification Process June 2021. Collection method: clinical testing. Allele origin: germline. Affected: yes.
Comment: Not observed at significant frequency in large population cohorts (gnomAD); In silico analysis supports that this missense variant has a deleterious effect on protein structure/function; Has not been previously published as pathogenic or benign to our knowledge

PreventionGenetics, part of Exact Sciences
Classification: Uncertain significance for PRPF8-related condition. Last evaluated: 2024-06-28. Review status: no assertion criteria provided. Collection method: clinical testing. Allele origin: germline. Not counted in ClinVar's aggregate classification.
Comment: The PRPF8 c.3893G>A variant is predicted to result in the amino acid substitution p.Arg1298His. To our knowledge, this variant has not been reported in the literature or in a large population database, indicating this variant is rare. At this time, the clinical significance of this variant is uncertain due to the absence of conclusive functional and genetic evidence.

NM_006445.4(PRPF8):c.3893G>A (p.Arg1298His)

Gene: PRPF8 (pre-mRNA processing factor 8; minus strand). Cytogenetic location: 17p13.3.
Variant type: single nucleotide variant.
Coding change: c.3893G>A on transcript NM_006445.4 (MANE Select); coding-DNA position 3893, G replaced by A.
Protein change: p.Arg1298His; replaces arginine 1298 with histidine.
Molecular consequence: missense variant.
Genome position (GRCh38, 1-based): chr17:1,662,035, C>T on the plus strand (G>A on the coding strand, the complement: PRPF8 is on the minus strand). VCF-style: chr17-1662035-C-T. GRCh37 (hg19) VCF-style: chr17-1565329-C-T.
Other names: short protein forms R1298H.
Identifiers: ClinVar variation 1309620 (VCV001309620.4), dbSNP rs2151116846, ClinGen allele CA397579096.